The following is an entry in ClinVar:

NM_001197104.2(KMT2A):c.11020T>A (p.Phe3674Ile)

Gene: KMT2A (lysine methyltransferase 2A; plus strand). Cytogenetic location: 11q23.3.
Variant type: single nucleotide variant.
Coding change: c.11020T>A on transcript NM_001197104.2 (MANE Select); coding-DNA position 11020, T replaced by A.
Protein change: p.Phe3674Ile; replaces phenylalanine 3674 with isoleucine.
Molecular consequence: missense variant.
Genome position (GRCh38, 1-based): chr11:118,510,067, T>A. VCF-style: chr11-118510067-T-A. GRCh37 (hg19) VCF-style: chr11-118380782-T-A.
Other names: c.11110T>A, p.Phe3704Ile (NM_001412597.1); c.11011T>A, p.Phe3671Ile (NM_005933.4); short protein forms F3671I, F3674I, F3704I.
Identifiers: ClinVar variation 4886802 (VCV004886802.1).

ClinVar aggregate classification (germline): Uncertain significance (0 of 4 stars; one submission).

gnomAD v4.1: 1 of 1,613,898 alleles (0.000062%); highest among the groups gnomAD compares: Non-Finnish European, 0.000085%; no homozygotes.

Submission:

Diagnostics Centre, Carl Von Ossietzky University Oldenburg
Classification: Uncertain significance. Last evaluated: 2025-12-29. Review status: no assertion criteria provided. Collection method: clinical testing. Allele origin: germline. Affected: yes. Observed: 1 variant allele.
Comment: The variant NM_001197104.2(KMT2A):c.11020T>A p.(Phe3674Ile) located in the exon 30 of the KMT2A gene results from a thymine-to-adenine substitution at nucleotide position c.11020. The Phenilalanine at protein position 3674 is replaced by an Isoleucine. Missense variants in this gene or the affected region are a known disease mechanism and are rare in the general population. The affected protein region has significant levels of missense constrain. In silico tools predict a significant deleterious effect in the protein structure/function (REVEL = 0,81). The variant is classified as rare in the general population (MAF 6.2 × 10⁻⁷ in gnomAD). In summary, this variant is classified as variant of uncertain significance.